The following is an entry in ClinVar:

ClinVar aggregate classification (germline): Conflicting classifications of pathogenicity. Review status: criteria provided, conflicting classifications (1 of 4 stars). 3 submissions from 3 submitters: Uncertain significance (1); Likely benign (2). Last evaluated 2026-01-24.

Conditions:
Isovaleryl-CoA dehydrogenase deficiency (IVA). Also called: ISOVALERIC ACID CoA DEHYDROGENASE DEFICIENCY; IVD DEFICIENCY; Isovaleric acidemia; Classic Isovaleric Acidemia. Identifiers: Orphanet 33, MedGen C0268575, MONDO:0009475, OMIM 243500.

Allele frequency attached by ClinVar (database versions not stated): gnomAD exomes 0.00003 and 0.00007; ExAC 0.00005; gnomAD 0.00006 and 0.00010; TOPMed 0.00006; ESP Exome Variant Server 0.00008; 1000 Genomes Project 30x 0.00078; 1000 Genomes Project 0.00100.
gnomAD v4.1: 61 of 1,593,860 alleles (0.0038%); highest among the groups gnomAD compares: East Asian, 0.045%; no homozygotes.

Submissions (3):

Labcorp Genetics (formerly Invitae), Labcorp
Classification: Likely benign for Isovaleryl-CoA dehydrogenase deficiency. Last evaluated: 2026-01-24. Review status: criteria provided, single submitter. Criteria: Invitae Variant Classification Sherloc (09022015). Collection method: clinical testing. Allele origin: germline.

Illumina Laboratory Services, Illumina
Classification: Uncertain significance for Isovaleryl-CoA dehydrogenase deficiency. Last evaluated: 2018-01-13. Review status: criteria provided, single submitter. Criteria: ICSL Variant Classification Criteria 13 December 2019. Collection method: clinical testing. Allele origin: germline.

GeneDx
Classification: Likely benign. Last evaluated: 2016-09-26. Review status: criteria provided, single submitter. Criteria: GeneDx Variant Classification (06012015). Collection method: clinical testing. Allele origin: germline. Affected: yes.
Comment: This variant is considered likely benign or benign based on one or more of the following criteria: it is a conservative change, it occurs at a poorly conserved position in the protein, it is predicted to be benign by multiple in silico algorithms, and/or has population frequency not consistent with disease.

NM_002225.5(IVD):c.784+13G>A

Gene: IVD (isovaleryl-CoA dehydrogenase; plus strand). Cytogenetic location: 15q15.1.
Variant type: single nucleotide variant.
Coding change: c.784+13G>A on transcript NM_002225.5 (MANE Select); 13 bases into the intron after coding-DNA position 784, G replaced by A.
Molecular consequence: intron variant.
Genome position (GRCh38, 1-based): chr15:40,413,100, G>A. VCF-style: chr15-40413100-G-A. GRCh37 (hg19) VCF-style: chr15-40705299-G-A.
Other names: c.871+13G>A (NM_001354600.3, NM_001354599.3); c.784+13G>A (NM_001354598.3, NM_001354601.3); c.736+13G>A (NM_001354597.3); c.694+13G>A (NM_001159508.3).
Identifiers: ClinVar variation 315799 (VCV000315799.12), dbSNP rs369694967, ClinGen allele CA7480736.
Genomic context (GRCh38, chr15:40,413,100, plus strand): 5'-GGGGCTCTAACACCTGTGAGCTAATCTTTGAAGACTGCAAGATTCCTGGTAAGTAGCACC[G>A]GGAATCGGGGAGCCCCTCTCCTGACCCCCTTCCAGGCTGATCTGGCTGTTCTCAAGTTGA-3'